The following is an entry in ClinVar:

ClinVar aggregate classification (germline): Likely benign. Review status: criteria provided, multiple submitters, no conflicts (2 of 4 stars). 2 submissions from 2 submitters: Likely benign (2). Last evaluated 2026-02-01.

Conditions:
Hereditary hemorrhagic telangiectasia (HHT). Also called: Osler hemorrhagic telangiectasia syndrome; ORW DISEASE; Osler Weber Rendu syndrome; OSLER-RENDU-WEBER DISEASE. Identifiers: Orphanet 774, MedGen C0039445, MONDO:0019180. Disease mechanism: loss of function.

Allele frequency attached by ClinVar (database versions not stated): gnomAD exomes 0.00003 and 0.00004; ExAC 0.00004.

Submissions (2):

CeGaT Center for Human Genetics Tuebingen
Classification: Likely benign. Last evaluated: 2026-02-01. Review status: criteria provided, single submitter. Criteria: CeGaT Center For Human Genetics Tuebingen Variant Classification Criteria Version 2. Collection method: clinical testing. Allele origin: germline. Affected: yes. Observed: 1 variant allele.
Comment: ENG: BP4, BS2

Labcorp Genetics (formerly Invitae), Labcorp
Classification: Likely benign for Hereditary hemorrhagic telangiectasia. Last evaluated: 2023-08-28. Review status: criteria provided, single submitter. Criteria: Invitae Variant Classification Sherloc (09022015). Collection method: clinical testing. Allele origin: germline.

NM_001114753.3(ENG):c.817-8A>G

Gene: ENG (endoglin; minus strand). Cytogenetic location: 9q34.11.
Variant type: single nucleotide variant.
Coding change: c.817-8A>G on transcript NM_001114753.3 (MANE Select); 8 bases into the intron before coding-DNA position 817, A replaced by G.
Molecular consequence: intron variant.
Genome position (GRCh38, 1-based): chr9:127,824,982, T>C on the plus strand (A>G on the coding strand, the complement: ENG is on the minus strand). VCF-style: chr9-127824982-T-C. GRCh37 (hg19) VCF-style: chr9-130587261-T-C.
Other names: c.817-8A>G (NM_000118.4, NM_001406715.1); c.271-8A>G (NM_001278138.2).
Identifiers: ClinVar variation 528073 (VCV000528073.14), dbSNP rs753576292, ClinGen allele CA5252956.